The following is an entry in ClinVar:

ClinVar aggregate classification (germline): Pathogenic. Review status: criteria provided, multiple submitters, no conflicts (2 of 4 stars). 2 submissions from 2 submitters: Pathogenic (2). Last evaluated 2022-10-12.

Conditions:
Juvenile polyposis syndrome (JPS). Identifiers: Orphanet 2929, MedGen C0345893, MONDO:0017380, OMIM 174900.
Familial thoracic aortic aneurysm and aortic dissection (TAAD). Also called: Thoracic aortic aneurysms and dissections. Identifiers: Orphanet 91387, MedGen C4707243, MONDO:0019625.
Hereditary cancer-predisposing syndrome. Also called: Hereditary neoplastic syndrome; Neoplastic Syndromes, Hereditary; Tumor predisposition; Hereditary Cancer Syndrome. Identifiers: Orphanet 140162, MedGen C0027672, MeSH D009386, MONDO:0015356.

Submissions (2):

Ambry Genetics
Classification: Pathogenic for Hereditary cancer-predisposing syndrome; Familial thoracic aortic aneurysm and aortic dissection. Last evaluated: 2022-10-12. Review status: criteria provided, single submitter. Criteria: Ambry Variant Classification Scheme 2023. Collection method: clinical testing. Allele origin: germline.
Comment: The c.1138delA pathogenic mutation, located in coding exon 8 of the SMAD4 gene, results from a deletion of one nucleotide at nucleotide position 1138, causing a translational frameshift with a predicted alternate stop codon (p.R380Gfs*4). This variant is considered to be rare based on population cohorts in the Genome Aggregation Database (gnomAD). This alteration is expected to result in loss of function by premature protein truncation or nonsense-mediated mRNA decay. As such, this alteration is interpreted as a disease-causing mutation.

Labcorp Genetics (formerly Invitae), Labcorp
Classification: Pathogenic for Juvenile polyposis syndrome. Last evaluated: 2021-03-16. Review status: criteria provided, single submitter. Criteria: Invitae Variant Classification Sherloc (09022015). Collection method: clinical testing. Allele origin: germline.
Comment: For these reasons, this variant has been classified as Pathogenic. This variant has not been reported in the literature in individuals with SMAD4-related conditions. ClinVar contains an entry for this variant (Variation ID: 460526). This variant is not present in population databases (ExAC no frequency). This sequence change creates a premature translational stop signal (p.Arg380Glyfs*4) in the SMAD4 gene. It is expected to result in an absent or disrupted protein product. Loss-of-function variants in SMAD4 are known to be pathogenic (PMID: 16152648, 16436638, 22810475).

Literature cited by the submitters: PubMed 16152648 (cited by Labcorp Genetics (formerly Invitae), Labcorp); PubMed 16436638 (cited by Labcorp Genetics (formerly Invitae), Labcorp); PubMed 22810475 (cited by Labcorp Genetics (formerly Invitae), Labcorp).

NM_005359.6(SMAD4):c.1138del (p.Arg380fs)

Gene: SMAD4 (SMAD family member 4; plus strand). Cytogenetic location: 18q21.2.
Variant type: Deletion.
Coding change: c.1138del on transcript NM_005359.6 (MANE Select); coding-DNA position 1138, one base deleted (A; older notation c.1138delA).
Protein change: p.Arg380fs; shifts the reading frame from arginine 380.
Molecular consequence: frameshift variant.
Genome position (GRCh38, 1-based): chr18:51,065,605, A deleted; the last of 2 consecutive A bases (chr18:51,065,604-51,065,605); deleting either gives the same sequence. VCF-style (leftmost placement, unchanged base first): chr18-51065603-CA-C. GRCh37 (hg19) VCF-style: chr18-48591973-CA-C.
Other names: c.1138delA (NM_005359.5); short protein forms R380fs.
Identifiers: ClinVar variation 460526 (VCV000460526.10), dbSNP rs1555686506, ClinGen allele CA658658745.
Genomic context (GRCh38, chr18:51,065,603, plus strand): 5'-GAGATCGCTTTTGTTTGGGTCAACTCTCCAATGTCCACAGGACAGAAGCCATTGAGAGAG[CA>C]AGGTATTGATTGTATAGTCAGATAGTTACTTTAAAAAATTGAGCATAGTACATTGTCTTT-3'